The following is an entry in ClinVar:

NM_001375524.1(TRRAP):c.2558_2559del (p.Val853fs)

Gene: TRRAP (transformation/transcription domain associated protein; plus strand). Cytogenetic location: 7q22.1.
Variant type: Microsatellite.
Coding change: c.2558_2559del on transcript NM_001375524.1 (MANE Select); coding-DNA positions 2558 to 2559, 2 bases deleted (TG; older notation c.2558_2559delTG).
Protein change: p.Val853fs; shifts the reading frame from valine 853.
Molecular consequence: frameshift variant.
Genome position (GRCh38, 1-based): chr7:98,917,615-98,917,616, TG deleted; deleting any 2 consecutive bases within chr7:98,917,609-98,917,616 gives the same sequence; the c. name uses the placement nearest the transcript's 3' end. VCF-style (leftmost placement, unchanged base first): chr7-98917608-CTG-C. GRCh37 (hg19) VCF-style: chr7-98515231-CTG-C.
Other names: c.2558_2559del, p.Val853fs (NM_001244580.2, NM_003496.4); short protein forms V853fs.
Identifiers: ClinVar variation 2572942 (VCV002572942.1), dbSNP rs2484735102, ClinGen allele CA2580615947.
Genomic context (GRCh38, chr7:98,917,608, plus strand): 5'-TTGGTGTCTGCACTCAATGGGTCTCAGACATTGGTCAGCCAAGGCCTCAGGACGCTGGAG[CTG>C]TGTGTGGACAACCTGCAGCCCGACTTCCTCTACGACCACATCCAGCCGGTGCGCGCAGAG-3'

ClinVar aggregate classification (germline): Uncertain significance (1 of 4 stars; one submission).

Submission:

GeneDx
Classification: Uncertain significance. Last evaluated: 2023-01-17. Review status: criteria provided, single submitter. Criteria: GeneDx Variant Classification Process June 2021. Collection method: clinical testing. Allele origin: germline. Affected: yes.
Comment: Not observed at significant frequency in large population cohorts (gnomAD); Frameshift variant predicted to result in protein truncation or nonsense mediated decay in a gene or region of a gene for which loss of function is not a well-established mechanism of disease; Has not been previously published as pathogenic or benign to our knowledge